The following is an entry in ClinVar:

ClinVar aggregate classification (germline): Uncertain significance. Review status: criteria provided, multiple submitters, no conflicts (2 of 4 stars). 3 submissions from 3 submitters: Uncertain significance (3). Last evaluated 2026-02-06.

Conditions:
Inborn genetic diseases. Identifiers: MedGen C0950123, MeSH D030342.

Allele frequency attached by ClinVar (database versions not stated): gnomAD 0.00001 and 0.00003; TOPMed 0.00003; 1000 Genomes Project 30x 0.00016; 1000 Genomes Project 0.00020.
gnomAD v4.1: 46 of 1,599,130 alleles (0.0029%); highest among the groups gnomAD compares: Non-Finnish European, 0.0037%; no homozygotes.

Submissions (3):

GeneDx
Classification: Uncertain significance. Last evaluated: 2026-02-06. Review status: criteria provided, single submitter. Criteria: GeneDx Variant Classification Process June 2021. Collection method: clinical testing. Allele origin: germline.
Comment: Not observed at significant frequency in large population cohorts (gnomAD); In silico analysis indicates that this missense variant does not alter protein structure/function; Has not been previously published as pathogenic or benign to our knowledge

Ambry Genetics
Classification: Uncertain significance for Inborn genetic diseases. Last evaluated: 2025-01-24. Review status: criteria provided, single submitter. Criteria: Ambry Variant Classification Scheme 2023. Collection method: clinical testing. Allele origin: germline.

Labcorp Genetics (formerly Invitae), Labcorp
Classification: Uncertain significance. Last evaluated: 2022-12-06. Review status: criteria provided, single submitter. Criteria: Invitae Variant Classification Sherloc (09022015). Collection method: clinical testing. Allele origin: germline.
Comment: In summary, the available evidence is currently insufficient to determine the role of this variant in disease. Therefore, it has been classified as a Variant of Uncertain Significance. Advanced modeling of protein sequence and biophysical properties (such as structural, functional, and spatial information, amino acid conservation, physicochemical variation, residue mobility, and thermodynamic stability) performed at Invitae indicates that this missense variant is expected to disrupt SZT2 protein function. ClinVar contains an entry for this variant (Variation ID: 653364). This variant has not been reported in the literature in individuals affected with SZT2-related conditions. This variant is present in population databases (rs561092682, gnomAD 0.004%). This sequence change replaces arginine, which is basic and polar, with glutamine, which is neutral and polar, at codon 3142 of the SZT2 protein (p.Arg3142Gln).

NM_001365999.1(SZT2):c.9596G>A (p.Arg3199Gln)

Genes: SZT2 (SZT2 subunit of KICSTOR complex; plus strand), SZT2-AS1 (SZT2 antisense RNA 1; minus strand). Cytogenetic location: 1p34.2.
Variant type: single nucleotide variant.
Coding change: c.9596G>A on transcript NM_001365999.1 (MANE Select); coding-DNA position 9596, G replaced by A.
Protein change: p.Arg3199Gln; replaces arginine 3199 with glutamine.
Molecular consequence: missense variant. On other transcripts: non-coding transcript variant (1).
Genome position (GRCh38, 1-based): chr1:43,448,111, G>A. VCF-style: chr1-43448111-G-A. GRCh37 (hg19) VCF-style: chr1-43913782-G-A.
Other names: c.9425G>A, p.Arg3142Gln (NM_015284.4); short protein forms R3199Q, R3142Q.
Identifiers: ClinVar variation 653364 (VCV000653364.11), dbSNP rs561092682, ClinGen allele CA810974.